The following is an entry in ClinVar:

ClinVar aggregate classification (germline): Uncertain significance (1 of 4 stars; one submission).

Conditions:
Early Myoclonic Encephalopathy. Identifiers: MedGen C0270855.

Allele frequency attached by ClinVar (database versions not stated): ExAC 0.00004; gnomAD 0.00001; gnomAD exomes 0.00002 and 0.00005; TOPMed 0.00003.
gnomAD v4.1: 12 of 1,600,950 alleles (0.00075%); highest among the groups gnomAD compares: Admixed American, 0.018%; no homozygotes.

Submission:

Labcorp Genetics (formerly Invitae), Labcorp
Classification: Uncertain significance for Early Myoclonic Encephalopathy. Last evaluated: 2025-01-13. Review status: criteria provided, single submitter. Criteria: Invitae Variant Classification Sherloc (09022015). Collection method: clinical testing. Allele origin: germline.
Comment: This sequence change replaces isoleucine, which is neutral and non-polar, with valine, which is neutral and non-polar, at codon 2475 of the JMJD1C protein (p.Ile2475Val). This variant is present in population databases (rs779638094, gnomAD 0.04%). This variant has not been reported in the literature in individuals affected with JMJD1C-related conditions. ClinVar contains an entry for this variant (Variation ID: 961563). Invitae Evidence Modeling of protein sequence and biophysical properties (such as structural, functional, and spatial information, amino acid conservation, physicochemical variation, residue mobility, and thermodynamic stability) indicates that this missense variant is not expected to disrupt JMJD1C protein function with a negative predictive value of 80%. In summary, the available evidence is currently insufficient to determine the role of this variant in disease. Therefore, it has been classified as a Variant of Uncertain Significance.

NM_032776.3(JMJD1C):c.7423A>G (p.Ile2475Val)

Gene: JMJD1C (jumonji domain containing 1C; minus strand). Cytogenetic location: 10q21.3.
Variant type: single nucleotide variant.
Coding change: c.7423A>G on transcript NM_032776.3 (MANE Select); coding-DNA position 7423, A replaced by G.
Protein change: p.Ile2475Val; replaces isoleucine 2475 with valine.
Molecular consequence: missense variant. On other transcripts: non-coding transcript variant (1).
Genome position (GRCh38, 1-based): chr10:63,168,545, T>C on the plus strand (A>G on the coding strand, the complement: JMJD1C is on the minus strand). VCF-style: chr10-63168545-T-C. GRCh37 (hg19) VCF-style: chr10-64928305-T-C.
Other names: c.6877A>G, p.Ile2293Val (NM_001282948.2, NM_001318154.2); c.6559A>G, p.Ile2187Val (NM_001318153.2); c.7309A>G, p.Ile2437Val (NM_001322252.2); c.6766A>G, p.Ile2256Val (NM_001322254.2, NM_001322258.2); short protein forms I2437V, I2475V, I2256V, I2187V, I2293V.
Identifiers: ClinVar variation 961563 (VCV000961563.10), dbSNP rs779638094, ClinGen allele CA5517647.